The following is an entry in ClinVar:

ClinVar aggregate classification (germline): Uncertain significance (1 of 4 stars; one submission).

Allele frequency attached by ClinVar (database versions not stated): ExAC 0.00001; gnomAD 0.00001; TOPMed below 0.00001; gnomAD exomes below 0.00001.

Submission:

GeneDx
Classification: Uncertain significance. Last evaluated: 2023-02-27. Review status: criteria provided, single submitter. Criteria: GeneDx Variant Classification Process June 2021. Collection method: clinical testing. Allele origin: germline. Affected: yes.
Comment: In silico analysis supports that this missense variant has a deleterious effect on protein structure/function; Has not been previously published as pathogenic or benign to our knowledge

NM_012090.5(MACF1):c.163C>T (p.Arg55Trp)

Gene: MACF1 (microtubule actin crosslinking factor 1; plus strand). Cytogenetic location: 1p34.3.
Variant type: single nucleotide variant.
Coding change: c.163C>T on transcript NM_012090.5; coding-DNA position 163, C replaced by T.
Protein change: p.Arg55Trp; replaces arginine 55 with tryptophan.
Molecular consequence: missense variant.
Genome position (GRCh38, 1-based): chr1:39,084,381, C>T. VCF-style: chr1-39084381-C-T. GRCh37 (hg19) VCF-style: chr1-39550053-C-T.
Other names: short protein forms R55W.
Identifiers: ClinVar variation 2577801 (VCV002577801.1), dbSNP rs746680747, ClinGen allele CA779038.